The following is an entry in ClinVar:

ClinVar aggregate classification (germline): Uncertain significance (1 of 4 stars; one submission).

Submission:

Ambry Genetics
Classification: Uncertain significance. Last evaluated: 2026-02-24. Review status: criteria provided, single submitter. Criteria: Ambry Variant Classification Scheme 2023. Collection method: clinical testing. Allele origin: germline.
Comment: The p.S539N variant (also known as c.1616G>A), located in coding exon 16 of the KIF1B gene, results from a G to A substitution at nucleotide position 1616. The serine at codon 539 is replaced by asparagine, an amino acid with highly similar properties. This amino acid position is conserved. In addition, the in silico prediction for this alteration is inconclusive. Based on the available evidence, the clinical significance of this variant remains unclear.

NM_001365951.3(KIF1B):c.1754G>A (p.Ser585Asn)

Gene: KIF1B (kinesin family member 1B; plus strand). Cytogenetic location: 1p36.22.
Variant type: single nucleotide variant.
Coding change: c.1754G>A on transcript NM_001365951.3 (MANE Select); coding-DNA position 1754, G replaced by A.
Protein change: p.Ser585Asn; replaces serine 585 with asparagine.
Molecular consequence: missense variant.
Genome position (GRCh38, 1-based): chr1:10,295,743, G>A. VCF-style: chr1-10295743-G-A. GRCh37 (hg19) VCF-style: chr1-10355801-G-A.
Other names: c.1754G>A, p.Ser585Asn (NM_001365952.1); c.1616G>A, p.Ser539Asn (NM_001365953.1, NM_015074.3, NM_183416.4); short protein forms S539N, S585N.
Identifiers: ClinVar variation 4826083 (VCV004826083.1).